The following is an entry in ClinVar:

ClinVar aggregate classification (germline): Uncertain significance (1 of 4 stars; one submission).

Conditions:
Primary ciliary dyskinesia 6. Also called: Primary Ciliary Dyskinesia 6: TXNDC3-Related Primary Ciliary Dyskinesia. Identifiers: Orphanet 244, MedGen C1970506, MONDO:0012571, OMIM 610852.

Allele frequency attached by ClinVar (database versions not stated): gnomAD exomes below 0.00001.

Submission:

Labcorp Genetics (formerly Invitae), Labcorp
Classification: Uncertain significance for Ciliary dyskinesia, primary, 6. Last evaluated: 2018-07-10. Review status: criteria provided, single submitter. Criteria: Invitae Variant Classification Sherloc (09022015). Collection method: clinical testing. Allele origin: germline.
Comment: This sequence change replaces leucine with proline at codon 322 of the NME8 protein (p.Leu322Pro). The leucine residue is moderately conserved and there is a moderate physicochemical difference between leucine and proline. This variant is not present in population databases (ExAC no frequency). This variant has not been reported in the literature in individuals with NME8-related disease. Algorithms developed to predict the effect of missense changes on protein structure and function are either unavailable or do not agree on the potential impact of this missense change (SIFT: "Deleterious"; PolyPhen-2: "Probably Damaging"; Align-GVGD: "Class C0"). In summary, the available evidence is currently insufficient to determine the role of this variant in disease. Therefore, it has been classified as a Variant of Uncertain Significance.

NM_016616.5(NME8):c.965T>C (p.Leu322Pro)

Gene: NME8 (NME/NM23 family member 8; plus strand). Cytogenetic location: 7p14.1.
Variant type: single nucleotide variant.
Coding change: c.965T>C on transcript NM_016616.5 (MANE Select); coding-DNA position 965, T replaced by C.
Protein change: p.Leu322Pro; replaces leucine 322 with proline.
Molecular consequence: missense variant.
Genome position (GRCh38, 1-based): chr7:37,876,978, T>C. VCF-style: chr7-37876978-T-C. GRCh37 (hg19) VCF-style: chr7-37916580-T-C.
Other names: short protein forms L322P.
Identifiers: ClinVar variation 651928 (VCV000651928.1), dbSNP rs1583637336, ClinGen allele CA367223624.